The following is an entry in ClinVar:

NM_001142864.4(PIEZO1):c.946C>T (p.Pro316Ser)

Genes: HSALR1 (HSP90AB1 associated lncRNA 1; plus strand), PIEZO1 (piezo type mechanosensitive ion channel component 1 (Er blood group); minus strand). Cytogenetic location: 16q24.3.
Variant type: single nucleotide variant.
Coding change: c.946C>T on transcript NM_001142864.4 (MANE Select); coding-DNA position 946, C replaced by T.
Protein change: p.Pro316Ser; replaces proline 316 with serine.
Molecular consequence: missense variant. On other transcripts: non-coding transcript variant (1).
Genome position (GRCh38, 1-based): chr16:88,738,008, G>A on the plus strand (C>T on the coding strand, the complement: PIEZO1 is on the minus strand). VCF-style: chr16-88738008-G-A. GRCh37 (hg19) VCF-style: chr16-88804416-G-A.
Other names: short protein forms P316S.
Identifiers: ClinVar variation 1308730 (VCV001308730.2), dbSNP rs2142833068, ClinGen allele CA397121432.

ClinVar aggregate classification (germline): Uncertain significance (1 of 4 stars; one submission).

Allele frequency attached by ClinVar (database versions not stated): gnomAD exomes below 0.00001.

Submission:

GeneDx
Classification: Uncertain significance. Last evaluated: 2019-10-02. Review status: criteria provided, single submitter. Criteria: GeneDx Variant Classification Process June 2021. Collection method: clinical testing. Allele origin: germline. Affected: yes.
Comment: Not observed in large population cohorts (Lek et al., 2016); In silico analysis, which includes protein predictors and evolutionary conservation, supports a deleterious effect; Has not been previously published as pathogenic or benign to our knowledge